The following is an entry in ClinVar:

NM_004999.4(MYO6):c.3197C>T (p.Thr1066Ile)

Gene: MYO6 (myosin VI; plus strand). Cytogenetic location: 6q14.1.
Variant type: single nucleotide variant.
Coding change: c.3197C>T on transcript NM_004999.4 (MANE Select); coding-DNA position 3197, C replaced by T.
Protein change: p.Thr1066Ile; replaces threonine 1066 with isoleucine.
Molecular consequence: missense variant. On other transcripts: non-coding transcript variant (1).
Genome position (GRCh38, 1-based): chr6:75,907,625, C>T. VCF-style: chr6-75907625-C-T. GRCh37 (hg19) VCF-style: chr6-76617342-C-T.
Other names: c.3128C>T, p.Thr1043Ile (NM_001300899.2, NM_001368136.1); c.3185C>T, p.Thr1062Ile (NM_001368137.1); c.3113C>T, p.Thr1038Ile (NM_001368138.1); c.3224C>T, p.Thr1075Ile (NM_001368865.1, NM_001368866.1); short protein forms T1043I, T1066I, T1062I, T1075I, T1038I.
Identifiers: ClinVar variation 1432709 (VCV001432709.8), dbSNP rs1312339926, ClinGen allele CA364779465.

ClinVar aggregate classification (germline): Uncertain significance (1 of 4 stars; one submission).

Allele frequency attached by ClinVar (database versions not stated): TOPMed below 0.00001.

Submission:

Labcorp Genetics (formerly Invitae), Labcorp
Classification: Uncertain significance. Last evaluated: 2021-06-22. Review status: criteria provided, single submitter. Criteria: Invitae Variant Classification Sherloc (09022015). Collection method: clinical testing. Allele origin: germline.
Comment: This sequence change replaces threonine with isoleucine at codon 1066 of the MYO6 protein (p.Thr1066Ile). The threonine residue is moderately conserved and there is a moderate physicochemical difference between threonine and isoleucine. This variant has not been reported in the literature in individuals affected with MYO6-related conditions. In summary, the available evidence is currently insufficient to determine the role of this variant in disease. Therefore, it has been classified as a Variant of Uncertain Significance. Algorithms developed to predict the effect of missense changes on protein structure and function are either unavailable or do not agree on the potential impact of this missense change (SIFT: "Deleterious"; PolyPhen-2: "Possibly Damaging"; Align-GVGD: "Class C0"). This variant is not present in population databases (ExAC no frequency).